The following is an entry in ClinVar:

NM_152743.4(BRAT1):c.626C>T (p.Ala209Val)

Gene: BRAT1 (BRCA1 associated ATM activator 1; minus strand). Cytogenetic location: 7p22.3.
Variant type: single nucleotide variant.
Coding change: c.626C>T on transcript NM_152743.4 (MANE Select); coding-DNA position 626, C replaced by T.
Protein change: p.Ala209Val; replaces alanine 209 with valine.
Molecular consequence: missense variant. On other transcripts: non-coding transcript variant (1).
Genome position (GRCh38, 1-based): chr7:2,543,767, G>A on the plus strand (C>T on the coding strand, the complement: BRAT1 is on the minus strand). VCF-style: chr7-2543767-G-A. GRCh37 (hg19) VCF-style: chr7-2583401-G-A.
Other names: c.626C>T, p.Ala209Val (NM_001350626.2); c.101C>T, p.Ala34Val (NM_001350627.2); short protein forms A34V, A209V.
Identifiers: ClinVar variation 666184 (VCV000666184.12), dbSNP rs112960104, ClinGen allele CA4128140.

ClinVar aggregate classification (germline): Uncertain significance. Review status: criteria provided, multiple submitters, no conflicts (2 of 4 stars). 4 submissions from 4 submitters: Uncertain significance (4). Last evaluated 2025-12-09.

Conditions:
Inborn genetic diseases. Identifiers: MedGen C0950123, MeSH D030342.
Neonatal-onset encephalopathy with rigidity and seizures. Also called: Lethal neonatal spasticity-epileptic encephalopathy syndrome. Identifiers: Orphanet 435845, MedGen C3281029, MONDO:0013784, OMIM 614498.

Allele frequency attached by ClinVar (database versions not stated): gnomAD exomes 0.00003 and 0.00004; ESP Exome Variant Server 0.00008; ExAC 0.00003; gnomAD 0.00005 and 0.00006; TOPMed 0.00008.
gnomAD v4.1: 69 of 1,608,128 alleles (0.0043%); highest among the groups gnomAD compares: South Asian, 0.0099%; no homozygotes.

Submissions (4):

Ambry Genetics
Classification: Uncertain significance for Inborn genetic diseases. Last evaluated: 2025-12-09. Review status: criteria provided, single submitter. Criteria: Ambry Variant Classification Scheme 2023. Collection method: clinical testing. Allele origin: germline.

Labcorp Genetics (formerly Invitae), Labcorp
Classification: Uncertain significance for Neonatal-onset encephalopathy with rigidity and seizures. Last evaluated: 2022-10-17. Review status: criteria provided, single submitter. Criteria: Invitae Variant Classification Sherloc (09022015). Collection method: clinical testing. Allele origin: germline.
Comment: This sequence change replaces alanine, which is neutral and non-polar, with valine, which is neutral and non-polar, at codon 209 of the BRAT1 protein (p.Ala209Val). This variant is present in population databases (rs112960104, gnomAD 0.01%). This variant has not been reported in the literature in individuals affected with BRAT1-related conditions. ClinVar contains an entry for this variant (Variation ID: 666184). Advanced modeling of protein sequence and biophysical properties (such as structural, functional, and spatial information, amino acid conservation, physicochemical variation, residue mobility, and thermodynamic stability) performed at Invitae indicates that this missense variant is not expected to disrupt BRAT1 protein function. In summary, the available evidence is currently insufficient to determine the role of this variant in disease. Therefore, it has been classified as a Variant of Uncertain Significance.

Athena Diagnostics
Classification: Uncertain significance. Last evaluated: 2018-11-05. Review status: criteria provided, single submitter. Criteria: Athena Diagnostics Criteria. Collection method: clinical testing. Allele origin: germline.

Breakthrough Genomics
Classification: Uncertain significance. Review status: criteria provided, single submitter. Criteria: ACMG Guidelines, 2015. Collection method: not provided. Allele origin: germline. Inheritance: Autosomal recessive inheritance. Affected: yes.